The following is an entry in ClinVar:

ClinVar aggregate classification (germline): Pathogenic (1 of 4 stars; one submission).

Conditions:
Duchenne muscular dystrophy (DMD). Also called: Duchenne Muscular Dystrophy (DMD); MUSCULAR DYSTROPHY, PSEUDOHYPERTROPHIC PROGRESSIVE, DUCHENNE TYPE. Identifiers: Orphanet 98896, MedGen C0013264, MONDO:0010679, OMIM 310200.

Submission:

Labcorp Genetics (formerly Invitae), Labcorp
Classification: Pathogenic for Duchenne muscular dystrophy. Last evaluated: 2024-11-29. Review status: criteria provided, single submitter. Criteria: Invitae Variant Classification Sherloc (09022015). Collection method: clinical testing. Allele origin: germline.
Comment: This sequence change creates a premature translational stop signal (p.Asn1109Serfs*8) in the DMD gene. It is expected to result in an absent or disrupted protein product. Loss-of-function variants in DMD are known to be pathogenic (PMID: 16770791, 25007885). This variant is not present in population databases (gnomAD no frequency). This variant has not been reported in the literature in individuals affected with DMD-related conditions. For these reasons, this variant has been classified as Pathogenic.

Literature cited by the submitters: PubMed 16770791; PubMed 25007885.

NM_004006.3(DMD):c.3322_3323dup (p.Asn1109fs)

Gene: DMD (dystrophin; minus strand). Cytogenetic location: Xp21.1.
Variant type: Microsatellite.
Coding change: c.3322_3323dup on transcript NM_004006.3 (MANE Select); coding-DNA positions 3322 to 3323, 2 bases duplicated (GT; older notation c.3322_3323dupGT).
Protein change: p.Asn1109fs; shifts the reading frame from asparagine 1109.
Molecular consequence: frameshift variant.
Genome position (GRCh38, 1-based): chrX:32,463,548-32,463,549, AC duplicated on the plus strand (GT on the coding strand, the reverse complement: DMD is on the minus strand); duplicating any 2 consecutive bases within chrX:32,463,548-32,463,551 gives the same sequence; the c. name uses the placement nearest the transcript's 3' end. VCF-style (leftmost placement, unchanged base first): chrX-32463547-G-GAC. GRCh37 (hg19) VCF-style: chrX-32481664-G-GAC.
Other names: c.3298_3299dup, p.Asn1101fs (NM_000109.4); c.3310_3311dup, p.Asn1105fs (NM_004009.3); c.2953_2954dup, p.Asn986fs (NM_004010.3); short protein forms N1105fs, N1101fs, N1109fs, N986fs.
Identifiers: ClinVar variation 3726382 (VCV003726382.2).
Genomic context (GRCh38, chrX:32,463,547, plus strand): 5'-CTCAAGTCTCGAAGCAAACTCTGGCTCTGCTTCATTCTTTATCTTCTGCCCACCTTCATT[G>GAC]ACACTGTTTAGACTGGGCTGAATTGTCTGAATATCACTGACTAAAAGCTAAGAAAATAAA-3'